The following is an entry in ClinVar:

ClinVar aggregate classification (germline): Likely pathogenic. Review status: criteria provided, multiple submitters, no conflicts (2 of 4 stars). 2 submissions from 2 submitters: Likely pathogenic (2). Last evaluated 2026-05-19.

Conditions:
IFT122-related disorder. Also called: IFT122-related condition.
Cranioectodermal dysplasia 1 (CED1). Also called: LEVIN SYNDROME I. Identifiers: Orphanet 1515, MedGen C0432235, MONDO:0021093, OMIM 218330.

gnomAD v4.1: 11 of 1,591,114 alleles (0.00069%); highest among the groups gnomAD compares: Non-Finnish European, 0.00086%; no homozygotes.

Submissions (2):

PreventionGenetics, part of Exact Sciences
Classification: Likely pathogenic for IFT122-related condition. Last evaluated: 2026-05-19. Review status: criteria provided, single submitter. Criteria: ACMG Guidelines, 2015. Collection method: clinical testing. Allele origin: germline.
Comment: The IFT122 c.272+1G>C variant is predicted to disrupt the GT donor site and interfere with normal splicing. To our knowledge, this variant has not been reported in the literature or in a large population database (gnomAD). indicating this variant is rare. Variants that disrupt the consensus splice donor site in IFT122 are expected to be pathogenic. This variant is interpreted as likely pathogenic.

Fulgent Genetics
Classification: Likely pathogenic for Cranioectodermal dysplasia 1. Last evaluated: 2024-03-20. Review status: criteria provided, single submitter. Criteria: ACMG Guidelines, 2015. Collection method: clinical testing. Allele origin: germline.

NM_052989.3(IFT122):c.272+1G>C

Gene: IFT122 (intraflagellar transport 122; plus strand). Cytogenetic location: 3q21.3.
Variant type: single nucleotide variant.
Coding change: c.272+1G>C on transcript NM_052989.3 (MANE Select); the canonical splice donor site of the intron after coding-DNA position 272, G replaced by C.
Molecular consequence: splice donor variant. On other transcripts: intron variant (4).
Genome position (GRCh38, 1-based): chr3:129,458,678, G>C. VCF-style: chr3-129458678-G-C. GRCh37 (hg19) VCF-style: chr3-129177521-G-C.
Other names: c.272+1G>C (NM_052985.3, NM_052985.4, NM_001280541.2 and 6 more transcripts); c.-179+1G>C (NM_001280545.2); c.-178-2550G>C (NM_001280546.2); c.194-4882G>C (NM_052990.3, NM_001410815.1, NM_001410817.1).
Identifiers: ClinVar variation 3588384 (VCV003588384.2).